The following is an entry in ClinVar:

ClinVar aggregate classification (germline): Pathogenic (1 of 4 stars; one submission).

Submission:

Labcorp Genetics (formerly Invitae), Labcorp
Classification: Pathogenic. Last evaluated: 2025-05-05. Review status: criteria provided, single submitter. Criteria: Invitae Variant Classification Sherloc (09022015). Collection method: clinical testing. Allele origin: germline.
Comment: This sequence change creates a premature translational stop signal (p.Glu577Glyfs*7) in the CEP78 gene. It is expected to result in an absent or disrupted protein product. Loss-of-function variants in CEP78 are known to be pathogenic (PMID: 27588451, 27588452, 32531858, 33879512, 34223797, 35240912, 37734845, 38780195). This variant is present in population databases (no rsID available, gnomAD 0.003%). This variant has not been reported in the literature in individuals affected with CEP78-related conditions. ClinVar contains an entry for this variant (Variation ID: 3688802). For these reasons, this variant has been classified as Pathogenic.

Literature cited by the submitters: PubMed 27588451; PubMed 27588452; PubMed 32531858; PubMed 33879512; PubMed 34223797; PubMed 35240912; PubMed 37734845; PubMed 38780195.

NM_001330691.3(CEP78):c.1723_1726dup (p.Glu576fs)

Gene: CEP78 (centrosomal protein 78; plus strand). Cytogenetic location: 9q21.2.
Variant type: Duplication.
Coding change: c.1723_1726dup on transcript NM_001330691.3 (MANE Select); coding-DNA positions 1723 to 1726, 4 bases duplicated (GAAG; older notation c.1723_1726dupGAAG).
Protein change: p.Glu576fs; shifts the reading frame from glutamic acid 576.
Molecular consequence: frameshift variant.
Genome position (GRCh38, 1-based): chr9:78,265,469-78,265,472, GAAG duplicated. VCF-style (leftmost placement, unchanged base first): chr9-78265468-A-AGAAG. GRCh37 (hg19) VCF-style: chr9-80880384-A-AGAAG.
Other names: c.1726_1729dup, p.Glu577fs (NM_001098802.3, NM_001349839.2, NM_001349840.2 and 1 more transcripts); c.1723_1726dup, p.Glu576fs (NM_001330693.3, NM_001330694.2, NM_001349838.2); short protein forms E576fs, E577fs.
Identifiers: ClinVar variation 3688802 (VCV003688802.2).
Genomic context (GRCh38, chr9:78,265,468, plus strand): 5'-GTCAGATTTTCAATTACTAGGTCATCCCCAGATGACTTCTACTGTTAGTAATCCACCTAA[A>AGAAG]GAAGAAAAGAAGGCGCTTGAAGATGAAAAACCAGAACCGAAGCAGAATGCCCTAGGGCAA-3'